The following is an entry in ClinVar:

NM_000548.5(TSC2):c.1143G>A (p.Arg381=)

Gene: TSC2 (TSC complex subunit 2; plus strand). Cytogenetic location: 16p13.3.
Variant type: single nucleotide variant.
Coding change: c.1143G>A on transcript NM_000548.5 (MANE Select); coding-DNA position 1143, G replaced by A.
Protein change: p.Arg381=; no amino-acid change (arginine 381 retained).
Molecular consequence: synonymous variant.
Genome position (GRCh38, 1-based): chr16:2,061,894, G>A. VCF-style: chr16-2061894-G-A. GRCh37 (hg19) VCF-style: chr16-2111895-G-A.
Other names: c.1143G>A (NM_000548.4); c.1143G>A, p.Arg381= (NM_001077183.3, NM_001114382.3, NM_001363528.2 and 3 more transcripts); c.1032G>A, p.Arg344= (NM_001318827.2); c.996G>A, p.Arg332= (NM_001318829.2); c.543G>A, p.Arg181= (NM_001318831.2); c.1176G>A, p.Arg392= (NM_001318832.2).
Identifiers: ClinVar variation 49666 (VCV000049666.77), dbSNP rs45517155, ClinGen allele CA013938.
Genomic context (GRCh38, chr16:2,061,894, plus strand): 5'-TGGAAGTCAGCCTGTGTCATCGTGCCTGGTACTGCAGACCTTGGACAGCCCGGAGCTCAG[G>A]ACCATCGTCCATGACCTGTTGACCACGGTGGAGGAGCTGTGTGACCAGAACGAGTTCCAC-3'
Protein context (NP_000539.2, residues 371-391): QLQTLDSPEL[Arg381=]TIVHDLLTTV

ClinVar aggregate classification (germline): Benign/Likely benign. Review status: criteria provided, multiple submitters, no conflicts (2 of 4 stars). 17 submissions from 17 submitters: Benign (8); Likely benign (6). 3 of the submissions do not count toward it. Last evaluated 2026-08-01.

Conditions:
Hereditary cancer-predisposing syndrome. Also called: Neoplastic Syndromes, Hereditary; Tumor predisposition; Hereditary Cancer Syndrome; Hereditary neoplastic syndrome. Identifiers: Orphanet 140162, MedGen C0027672, MeSH D009386, MONDO:0015356.
Tuberous sclerosis syndrome (TSC). Also called: Tuberous Sclerosis Complex; Tuberous sclerosis. Identifiers: Orphanet 805, MedGen C0041341, MONDO:0001734.
Tuberous sclerosis 2 (TSC2). Identifiers: Orphanet 805, MedGen C1860707, MONDO:0013199, OMIM 613254.

Allele frequency attached by ClinVar (database versions not stated): ExAC 0.00028; gnomAD exomes 0.00032 and 0.00044; TOPMed 0.00035; gnomAD 0.00036; ESP Exome Variant Server 0.00046.
gnomAD v4.1: 693 of 1,614,064 alleles (0.043%); highest among the groups gnomAD compares: Middle Eastern, 0.18%; 3 homozygotes.

Submissions (17):

CeGaT Center for Human Genetics Tuebingen
Classification: Likely benign. Last evaluated: 2026-08-01. Review status: criteria provided, single submitter. Criteria: CeGaT Center For Human Genetics Tuebingen Variant Classification Criteria Version 2. Collection method: clinical testing. Allele origin: germline. Affected: yes. Observed: 14 variant alleles.
Comment: TSC2: BP4, BP7

Labcorp Genetics (formerly Invitae), Labcorp
Classification: Benign for Tuberous sclerosis 2. Last evaluated: 2026-02-04. Review status: criteria provided, single submitter. Criteria: Invitae Variant Classification Sherloc (09022015). Collection method: clinical testing. Allele origin: germline.

Myriad Genetics, Inc.
Classification: Benign for Tuberous sclerosis 2. Last evaluated: 2025-05-13. Review status: criteria provided, single submitter. Criteria: Myriad Autosomal Dominant, Autosomal Recessive and X-Linked Classification Criteria (2023). Collection method: clinical testing. Allele origin: unknown.
Comment: This variant is considered benign. This variant is a silent/synonymous amino acid change and it is not expected to impact splicing.

Blueprint Genetics
Classification: Likely benign. Last evaluated: 2024-09-11. Review status: criteria provided, single submitter. Criteria: ACMG Guidelines, 2015. Collection method: clinical testing. Allele origin: germline.

All of Us Research Program, National Institutes of Health
Classification: Benign for Tuberous sclerosis syndrome. Last evaluated: 2024-02-05. Review status: criteria provided, single submitter. Criteria: ACMG Guidelines, 2015. Collection method: clinical testing. Allele origin: germline. Inheritance: Autosomal dominant inheritance. Observed: 54 variant alleles, 54 heterozygotes.
Comment: This study involves interpretation of variants in research participants for the purpose of population health screening. Participant phenotype was not available at the time of variant classification. Additional details can be found in publication PMID: 35346344, PMCID: PMC8962531

KCCC/NGS Laboratory, Kuwait Cancer Control Center
Classification: Benign for Tuberous sclerosis 2. Last evaluated: 2023-07-07. Review status: criteria provided, single submitter. Criteria: ACMG Guidelines, 2015. Collection method: clinical testing. Allele origin: germline. Affected: yes.

Color Diagnostics, LLC DBA Color Health
Classification: Benign for Tuberous sclerosis syndrome. Last evaluated: 2022-10-20. Review status: criteria provided, single submitter. Criteria: ACMG Guidelines, 2015. Collection method: clinical testing. Allele origin: germline.

Genome-Nilou Lab
Classification: Benign for Tuberous sclerosis 2. Last evaluated: 2021-11-07. Review status: criteria provided, single submitter. Criteria: ACMG Guidelines, 2015. Collection method: clinical testing. Allele origin: germline. Affected: no.

Sema4
Classification: Benign for Hereditary cancer-predisposing syndrome. Last evaluated: 2020-11-30. Review status: criteria provided, single submitter. Criteria: Sema4 Curation Guidelines. Collection method: curation. Allele origin: germline.

Eurofins Ntd Llc (ga)
Classification: Likely benign. Last evaluated: 2017-07-31. Review status: criteria provided, single submitter. Criteria: EGL Classification Definitions 2015. Collection method: clinical testing. Allele origin: germline. Observed: 1 variant allele, 1 heterozygote.

Illumina Laboratory Services, Illumina
Classification: Likely benign for Tuberous sclerosis syndrome. Last evaluated: 2017-04-28. Review status: criteria provided, single submitter. Criteria: ICSL Variant Classification Criteria 13 December 2019. Collection method: clinical testing. Allele origin: germline.
Comment: This variant was observed as part of a predisposition screen in an ostensibly healthy population. A literature search was performed for the gene, cDNA change, and amino acid change (where applicable). No publications were found based on this search. Allele frequency data from public databases allowed determination this variant is unlikely to cause disease. Therefore, this variant is classified as likely benign.

GeneDx
Classification: Benign. Last evaluated: 2015-07-24. Review status: criteria provided, single submitter. Criteria: GeneDx Variant Classification (06012015). Collection method: clinical testing. Allele origin: germline. Affected: yes.
Comment: This variant is considered likely benign or benign based on one or more of the following criteria: it is a conservative change, it occurs at a poorly conserved position in the protein, it is predicted to be benign by multiple in silico algorithms, and/or has population frequency not consistent with disease.

Ambry Genetics
Classification: Likely benign for Hereditary cancer-predisposing syndrome. Last evaluated: 2015-04-03. Review status: criteria provided, single submitter. Criteria: Ambry Variant Classification Scheme 2023. Collection method: clinical testing. Allele origin: germline.

PreventionGenetics, part of Exact Sciences
Classification: Likely benign. Review status: criteria provided, single submitter. Criteria: ACMG Guidelines, 2015. Collection method: clinical testing. Allele origin: germline.

Clinical Genetics, Academic Medical Center
Classification: Likely benign. Review status: no assertion criteria provided. Collection method: clinical testing. Allele origin: germline. Affected: yes. Study: VKGL Data-share Consensus. Not counted in ClinVar's aggregate classification.

Genome Diagnostics Laboratory, Amsterdam University Medical Center
Classification: Likely benign. Review status: no assertion criteria provided. Collection method: clinical testing. Allele origin: germline. Affected: yes. Study: VKGL Data-share Consensus. Not counted in ClinVar's aggregate classification.

Tuberous sclerosis database (TSC2)
No classification provided. Condition: TSC. Review status: no classification provided. Criteria: Tuberous Sclerosis Database Assertion Criteria 2015. Collection method: curation. Allele origin: germline. Affected: yes. Not counted in ClinVar's aggregate classification.